The following is an entry in ClinVar:

NM_203446.3(SYNJ1):c.-46GAG[5]

Gene: SYNJ1 (synaptojanin 1; minus strand). Cytogenetic location: 21q22.11.
Variant type: Microsatellite.
Coding change: c.-46GAG[5] on transcript NM_203446.3 (MANE Select); five copies in a row of the 3-base unit GAG starting at c.-46; the reference has four copies in a row; one copy, 3 bases duplicated.
Molecular consequence: 5 prime UTR variant. On other transcripts: inframe indel (1).
Genome position (GRCh38, 1-based): chr21:32,727,958-32,727,960, CTC duplicated on the plus strand (GAG on the coding strand, the reverse complement: SYNJ1 is on the minus strand); duplicating any 3 consecutive bases within chr21:32,727,958-32,727,971 gives the same sequence; the position shown is the placement nearest the transcript's 3' end. VCF-style (leftmost placement, unchanged base first): chr21-32727957-G-GCTC. GRCh37 (hg19) VCF-style: chr21-34100268-G-GCTC.
Other names: c.70_72AGG[5], p.Arg27_Ser28insArg (NM_003895.4).
Identifiers: ClinVar variation 2165004 (VCV002165004.1), dbSNP rs978725590, ClinGen allele CA638052507.

ClinVar aggregate classification (germline): Uncertain significance (1 of 4 stars; one submission).

Conditions:
Developmental and epileptic encephalopathy, 53. Also called: Epileptic encephalopathy, early infantile, 53. Identifiers: MedGen C4479313, MONDO:0033362, OMIM 617389.
Early-onset Parkinson disease 20. Also called: PARKINSON DISEASE 20, AUTOSOMAL RECESSIVE EARLY-ONSET. Identifiers: Orphanet 391411, MedGen C3809824, MONDO:0014233, OMIM 615530.

Submission:

Labcorp Genetics (formerly Invitae), Labcorp
Classification: Uncertain significance for Developmental and epileptic encephalopathy, 53; Early-onset Parkinson disease 20. Last evaluated: 2022-07-19. Review status: criteria provided, single submitter. Criteria: Invitae Variant Classification Sherloc (09022015). Collection method: clinical testing. Allele origin: germline.
Comment: This variant, c.81_83dup, results in the insertion of 1 amino acid(s) of the SYNJ1 protein (p.Arg27dup), but otherwise preserves the integrity of the reading frame. This variant is present in population databases (no rsID available, gnomAD 0.002%). This variant has not been reported in the literature in individuals affected with SYNJ1-related conditions. Experimental studies and prediction algorithms are not available or were not evaluated, and the functional significance of this variant is currently unknown. In summary, the available evidence is currently insufficient to determine the role of this variant in disease. Therefore, it has been classified as a Variant of Uncertain Significance.